The following is an entry in ClinVar:

NM_000051.4(ATM):c.3643G>C (p.Asp1215His)

Gene: ATM (ATM serine/threonine kinase; plus strand). Cytogenetic location: 11q22.3.
Variant type: single nucleotide variant.
Coding change: c.3643G>C on transcript NM_000051.4 (MANE Select); coding-DNA position 3643, G replaced by C.
Protein change: p.Asp1215His; replaces aspartic acid 1215 with histidine.
Molecular consequence: missense variant.
Genome position (GRCh38, 1-based): chr11:108,282,776, G>C. VCF-style: chr11-108282776-G-C. GRCh37 (hg19) VCF-style: chr11-108153503-G-C.
Other names: c.3643G>C, p.Asp1215His (NM_001351834.2); short protein forms D1215H.
Identifiers: ClinVar variation 824022 (VCV000824022.14), dbSNP rs1366216756, ClinGen allele CA382522937.
Genomic context (GRCh38, chr11:108,282,776, plus strand): 5'-GAGAAAGTTTCTGAAACTTTTGGATATAGACGTTTAGAAGACTTTATGGCATCTCATTTA[G>C]ATTATCTGGTTTTGGAATGGCTAAATCTTCAAGATACTGAATACAACTTATCTTCTTTTC-3'
Protein context (NP_000042.3, residues 1205-1225): RLEDFMASHL[Asp1215His]YLVLEWLNLQ

ClinVar aggregate classification (germline): Uncertain significance. Review status: criteria provided, multiple submitters, no conflicts (2 of 4 stars). 2 submissions from 2 submitters: Uncertain significance (2). Last evaluated 2024-07-22.

Conditions:
Ataxia-telangiectasia syndrome (AT). Also called: ATAXIA-TELANGIECTASIA, COMPLEMENTATION GROUP A; ATAXIA-TELANGIECTASIA, FRESNO VARIANT; Ataxia-telangiectasia, complementation group E; Ataxia telangiectasia (A-T); LOUIS-BAR SYNDROME; Cerebello-oculocutaneous telangiectasia. Identifiers: Orphanet 100, MedGen C0004135, MONDO:0008840, OMIM 208900.
Hereditary cancer-predisposing syndrome. Also called: Neoplastic Syndromes, Hereditary; Hereditary Cancer Syndrome; Hereditary neoplastic syndrome; Tumor predisposition. Identifiers: Orphanet 140162, MedGen C0027672, MeSH D009386, MONDO:0015356.

gnomAD v4.1: 9 of 1,609,928 alleles (0.00056%); highest among the groups gnomAD compares: Non-Finnish European, 0.00068%; no homozygotes.

Submissions (2):

Ambry Genetics
Classification: Uncertain significance for Hereditary cancer-predisposing syndrome. Last evaluated: 2024-07-22. Review status: criteria provided, single submitter. Criteria: Ambry Variant Classification Scheme 2023. Collection method: clinical testing. Allele origin: germline.
Comment: The p.D1215H variant (also known as c.3643G>C), located in coding exon 24 of the ATM gene, results from a G to C substitution at nucleotide position 3643. The aspartic acid at codon 1215 is replaced by histidine, an amino acid with similar properties. This alteration was reported in 1/13087 breast cancer cases and 0/5488 control individuals in the UK (Decker B et al. J. Med. Genet., 2017 11;54:732-741). This amino acid position is well conserved in available vertebrate species. In addition, the in silico prediction for this alteration is inconclusive. Based on the available evidence, the clinical significance of this variant remains unclear.

Labcorp Genetics (formerly Invitae), Labcorp
Classification: Uncertain significance for Ataxia-telangiectasia syndrome. Last evaluated: 2023-12-13. Review status: criteria provided, single submitter. Criteria: Invitae Variant Classification Sherloc (09022015). Collection method: clinical testing. Allele origin: germline.
Comment: This sequence change replaces aspartic acid, which is acidic and polar, with histidine, which is basic and polar, at codon 1215 of the ATM protein (p.Asp1215His). This variant is not present in population databases (gnomAD no frequency). This missense change has been observed in individual(s) with breast cancer (PMID: 28779002). ClinVar contains an entry for this variant (Variation ID: 824022). An algorithm developed to predict the effect of missense changes on protein structure and function (PolyPhen-2) suggests that this variant is likely to be disruptive. In summary, the available evidence is currently insufficient to determine the role of this variant in disease. Therefore, it has been classified as a Variant of Uncertain Significance.

Literature cited by the submitters: PubMed 28779002 (cited by Ambry Genetics and Labcorp Genetics (formerly Invitae), Labcorp).